The following is an entry in ClinVar:

ClinVar aggregate classification (germline): Uncertain significance. Review status: reviewed by expert panel (3 of 4 stars). 6 submissions from 6 submitters: Uncertain significance (1). 5 of the submissions do not count toward it. Last evaluated 2025-05-01.

Conditions:
Congenital multicore myopathy with external ophthalmoplegia (CMYO1B). Also called: Congenital myopathy 1B, autosomal recessive; Minicore myopathy; MULTICORE MYOPATHY; MULTIMINICORE DISEASE WITH EXTERNAL OPHTHALMOPLEGIA; Minicore myopathy with external ophthalmoplegia. Identifiers: Orphanet 598, Orphanet 98905, MedGen C1850674, MONDO:0009712, OMIM 255320, HP:0003789.
Central core myopathy (CMYO1A). Also called: CONGENITAL MYOPATHY 1A, AUTOSOMAL DOMINANT, WITH SUSCEPTIBILITY TO MALIGNANT HYPERTHERMIA; Central core disease; Myopathy, central fibrillar. Identifiers: Orphanet 597, MedGen C5830701, MONDO:0007294, OMIM 117000.
Congenital myopathy with fiber type disproportion. Also called: Congenital fiber-type disproportion; Congenital fiber-type disproportion myopathy. Identifiers: Orphanet 2020, MedGen C0546264, MONDO:0009711. Inheritance: all.
King Denborough syndrome (KDS). Identifiers: MedGen C1840365, MONDO:0020485, OMIM 619542.
Malignant hyperthermia, susceptibility to, 1 (MHS1). Also called: Malignant hyperthermia suceptibility 1; Anesthesia related hyperthermia; Malignant hyperpyrexia; Fulminating hyperpyrexia; Pharmacogenic myopathy; RYR1-Related Malignant Hyperthermia Susceptibility. Identifiers: Orphanet 423, MedGen C2930980, MONDO:0007783, OMIM 145600.
RYR1-related disorder. Also called: RYR1-related disorders; RYR1-related condition. Identifiers: MedGen CN239331.

Allele frequency attached by ClinVar (database versions not stated): gnomAD exomes 0.00001; TOPMed 0.00001.
gnomAD v4.1: 13 of 1,612,760 alleles (0.00081%); highest among the groups gnomAD compares: East Asian, 0.0045%; no homozygotes.

Submissions (6):

ClinGen Malignant Hyperthermia Susceptibility Variant Curation Expert Panel, ClinGen
Classification: Uncertain significance for Malignant hyperthermia, susceptibility to, 1. Last evaluated: 2025-05-01. Review status: reviewed by expert panel. Criteria: RYR1-MHS Interpretation Guidelines V2. Collection method: curation. Allele origin: germline. Inheritance: Autosomal dominant inheritance.
Comment: This pathogenicity assessment is relevant only for malignant hyperthermia susceptibility (MHS) inherited in an autosomal dominant pattern. Variants in RYR1 can also cause other myopathies inherited in an autosomal dominant pattern or in an autosomal recessive pattern. Some of these disorders may predispose individuals to malignant hyperthermia. RYR1 variants may also contribute to a malignant hyperthermia reaction in combination with other genetic and non-genetic factors and the clinician needs to consider such factors in making management decisions. This sequence variant predicts a substitution of glycine with arginine at codon 2130 of the RYR1 protein, p.Gly2130Arg. The maximum allele frequency for this variant among the six major gnomAD populations is EAS: 0.000055, a frequency consistent with pathogenicity for MHS. This variant has been reported in an individual described as having a malignant hyperthermia (MH) reaction without in vitro contracture test (IVCT) or caffeine halothane contracture test (CHCT) results, PS4 was not implemented (PMID:18063506). No functional studies were identified for this variant. This variant resides in a region of RYR1 considered to be a hotspot for pathogenic variants that contribute to MHS, PM1 (PMID: 21118704). A REVEL score >0.85 (0.894) supports a pathogenic status for this variant, PP3_Moderate. This variant has been classified as a Variant of Unknown Significance. Criteria implemented: PM1, PP3_Moderate.

CeGaT Center for Human Genetics Tuebingen
Classification: Uncertain significance. Last evaluated: 2026-09-01. Review status: criteria provided, single submitter. Criteria: CeGaT Center For Human Genetics Tuebingen Variant Classification Criteria Version 2. Collection method: clinical testing. Allele origin: germline. Affected: yes. Observed: 1 variant allele. Not counted in ClinVar's aggregate classification.
Comment: RYR1: PM1, PP3

Labcorp Genetics (formerly Invitae), Labcorp
Classification: Uncertain significance for RYR1-related disorder. Last evaluated: 2024-10-29. Review status: criteria provided, single submitter. Criteria: Invitae Variant Classification Sherloc (09022015). Collection method: clinical testing. Allele origin: germline. Not counted in ClinVar's aggregate classification.
Comment: This sequence change replaces glycine, which is neutral and non-polar, with arginine, which is basic and polar, at codon 2130 of the RYR1 protein (p.Gly2130Arg). This variant is present in population databases (rs193922789, gnomAD 0.006%). This missense change has been observed in individual(s) with clinical features of malignant hyperthermia (PMID: 18063506). ClinVar contains an entry for this variant (Variation ID: 133158). Invitae Evidence Modeling of protein sequence and biophysical properties (such as structural, functional, and spatial information, amino acid conservation, physicochemical variation, residue mobility, and thermodynamic stability) has been performed for this missense variant. However, the output from this modeling did not meet the statistical confidence thresholds required to predict the impact of this variant on RYR1 protein function. In summary, the available evidence is currently insufficient to determine the role of this variant in disease. Therefore, it has been classified as a Variant of Uncertain Significance.

GeneDx
Classification: Likely pathogenic. Last evaluated: 2024-06-28. Review status: criteria provided, single submitter. Criteria: GeneDx Variant Classification Process June 2021. Collection method: clinical testing. Allele origin: germline. Affected: yes. Not counted in ClinVar's aggregate classification.
Comment: In silico analysis, which includes protein predictors and evolutionary conservation, supports a deleterious effect; Not observed at a significant frequency in large population cohorts (gnomAD); This variant is associated with the following publications: (PMID: 26779337, 12668474, 33767344, 18063506)

Fulgent Genetics
Classification: Uncertain significance for Central core myopathy; Malignant hyperthermia, susceptibility to, 1; Congenital myopathy 4A, autosomal dominant; Congenital multicore myopathy with external ophthalmoplegia; King Denborough syndrome. Last evaluated: 2021-11-15. Review status: criteria provided, single submitter. Criteria: ACMG Guidelines, 2015. Collection method: clinical testing. Allele origin: unknown. Not counted in ClinVar's aggregate classification.

RYR1 database
No classification provided. Review status: no classification provided. Collection method: not provided. Allele origin: unknown. Not counted in ClinVar's aggregate classification.

Literature cited by the submitters: PubMed 18063506 (cited by Labcorp Genetics (formerly Invitae), Labcorp).

NM_000540.3(RYR1):c.6388G>A (p.Gly2130Arg)

Gene: RYR1 (ryanodine receptor 1; plus strand). Cytogenetic location: 19q13.2.
Variant type: single nucleotide variant.
Coding change: c.6388G>A on transcript NM_000540.3 (MANE Select); coding-DNA position 6388, G replaced by A.
Protein change: p.Gly2130Arg; replaces glycine 2130 with arginine.
Molecular consequence: missense variant.
Genome position (GRCh38, 1-based): chr19:38,494,465, G>A. VCF-style: chr19-38494465-G-A. GRCh37 (hg19) VCF-style: chr19-38985105-G-A.
Other names: c.6388G>A, p.Gly2130Arg (NM_001042723.2); c.6388G>A (NM_000540.2); short protein forms G2130R.
Identifiers: ClinVar variation 133158 (VCV000133158.10), dbSNP rs193922789, ClinGen allele CA024578.
Genomic context (GRCh38, chr19:38,494,465, plus strand): 5'-TTCGTGCAGAGCCCCGAGCTGGTGCGGGCCATGTTCAGCCTCCTGCACCGGCAGTACGAC[G>A]GGCTGGGTGAGCTGCTGCGTGCCCTGCCGCGGGCGTACACCATCTCACCGTCCTCCGTGG-3'
Protein context (NP_000531.2, residues 2120-2140): MFSLLHRQYD[Gly2130Arg]LGELLRALPR